The following is an entry in ClinVar:

ClinVar aggregate classification (germline): Uncertain significance (1 of 4 stars; one submission).

Allele frequency attached by ClinVar (database versions not stated): gnomAD exomes below 0.00001 and 0.00001; gnomAD 0.00001 and 0.00002; TOPMed 0.00001; ExAC 0.00008; ESP Exome Variant Server 0.00008.
gnomAD v4.1: 7 of 1,567,280 alleles (0.00045%); highest among the groups gnomAD compares: East Asian, 0.0024%; no homozygotes.

Submission:

GeneDx
Classification: Uncertain significance. Last evaluated: 2021-12-20. Review status: criteria provided, single submitter. Criteria: GeneDx Variant Classification Process June 2021. Collection method: clinical testing. Allele origin: germline. Affected: yes.
Comment: In silico analysis, which includes splice predictors and evolutionary conservation, suggests this variant may impact gene splicing. In the absence of RNA/functional studies, the actual effect of this sequence change is unknown.; Has not been previously published as pathogenic or benign to our knowledge

NM_001145809.2(MYH14):c.3633C>T (p.Gly1211=)

Gene: MYH14 (myosin heavy chain 14; plus strand). Cytogenetic location: 19q13.33.
Variant type: single nucleotide variant.
Coding change: c.3633C>T on transcript NM_001145809.2 (MANE Select); coding-DNA position 3633, C replaced by T.
Protein change: p.Gly1211=; no amino-acid change (glycine 1211 retained).
Molecular consequence: synonymous variant.
Genome position (GRCh38, 1-based): chr19:50,276,156, C>T. VCF-style: chr19-50276156-C-T. GRCh37 (hg19) VCF-style: chr19-50779413-C-T.
Other names: c.3534C>T, p.Gly1178= (NM_001077186.2); c.3510C>T, p.Gly1170= (NM_024729.4).
Identifiers: ClinVar variation 1693079 (VCV001693079.2), dbSNP rs367808374, ClinGen allele CA9593271.